The following is an entry in ClinVar:

ClinVar aggregate classification (germline): Uncertain significance. Review status: criteria provided, multiple submitters, no conflicts (2 of 4 stars). 2 submissions from 2 submitters: Uncertain significance (2). Last evaluated 2022-03-29.

gnomAD v4.1: 5 of 1,609,288 alleles (0.00031%); highest among the groups gnomAD compares: East Asian, 0.011%; no homozygotes.

Submissions (2):

Labcorp Genetics (formerly Invitae), Labcorp
Classification: Uncertain significance. Last evaluated: 2022-03-29. Review status: criteria provided, single submitter. Criteria: Invitae Variant Classification Sherloc (09022015). Collection method: clinical testing. Allele origin: germline.
Comment: In summary, the available evidence is currently insufficient to determine the role of this variant in disease. Therefore, it has been classified as a Variant of Uncertain Significance. Algorithms developed to predict the effect of missense changes on protein structure and function are either unavailable or do not agree on the potential impact of this missense change (SIFT: "Deleterious"; PolyPhen-2: "Benign"; Align-GVGD: "Class C0"). ClinVar contains an entry for this variant (Variation ID: 197700). This variant has not been reported in the literature in individuals affected with GPR179-related conditions. This variant is present in population databases (rs776824900, gnomAD 0.02%). This sequence change replaces arginine, which is basic and polar, with glycine, which is neutral and non-polar, at codon 410 of the GPR179 protein (p.Arg410Gly).

Eurofins Ntd Llc (ga)
Classification: Uncertain significance. Last evaluated: 2014-10-10. Review status: criteria provided, single submitter. Criteria: EGL Classification Definitions 2015. Collection method: clinical testing. Allele origin: germline. Observed: 1 variant allele, 1 heterozygote.

NM_001004334.4(GPR179):c.1228A>G (p.Arg410Gly)

Gene: GPR179 (G protein-coupled receptor 179; minus strand). Cytogenetic location: 17q12.
Variant type: single nucleotide variant.
Coding change: c.1228A>G on transcript NM_001004334.4 (MANE Select); coding-DNA position 1228, A replaced by G.
Protein change: p.Arg410Gly; replaces arginine 410 with glycine.
Molecular consequence: missense variant.
Genome position (GRCh38, 1-based): chr17:38,336,144, T>C on the plus strand (A>G on the coding strand, the complement: GPR179 is on the minus strand). VCF-style: chr17-38336144-T-C. GRCh37 (hg19) VCF-style: chr17-36492027-T-C.
Other names: short protein forms R410G.
Identifiers: ClinVar variation 197700 (VCV000197700.10), dbSNP rs776824900, ClinGen allele CA245982.